The following is an entry in ClinVar:

ClinVar aggregate classification (germline): Uncertain significance (1 of 4 stars; one submission).

Conditions:
Chromosome 2q32-q33 deletion syndrome (GLASS). Also called: Glass syndrome; 2q33.1 deletion syndrome. Identifiers: Orphanet 251019, MedGen C2676739, MONDO:0012864, OMIM 612313.

Allele frequency attached by ClinVar (database versions not stated): gnomAD exomes below 0.00001.

Submission:

Labcorp Genetics (formerly Invitae), Labcorp
Classification: Uncertain significance for Chromosome 2q32-q33 deletion syndrome. Last evaluated: 2025-09-16. Review status: criteria provided, single submitter. Criteria: Invitae Variant Classification Sherloc (09022015). Collection method: clinical testing. Allele origin: germline.
Comment: This sequence change replaces valine, which is neutral and non-polar, with leucine, which is neutral and non-polar, at codon 427 of the SATB2 protein (p.Val427Leu). This variant is present in population databases (no rsID available, gnomAD 0.003%). This variant has not been reported in the literature in individuals affected with SATB2-related conditions. ClinVar contains an entry for this variant (Variation ID: 1494833). Invitae Evidence Modeling of protein sequence and biophysical properties (such as structural, functional, and spatial information, amino acid conservation, physicochemical variation, residue mobility, and thermodynamic stability) indicates that this missense variant is not expected to disrupt SATB2 protein function with a negative predictive value of 80%. In summary, the available evidence is currently insufficient to determine the role of this variant in disease. Therefore, it has been classified as a Variant of Uncertain Significance.

NM_001172509.2(SATB2):c.1279G>T (p.Val427Leu)

Gene: SATB2 (SATB homeobox 2; minus strand). Cytogenetic location: 2q33.1.
Variant type: single nucleotide variant.
Coding change: c.1279G>T on transcript NM_001172509.2 (MANE Select); coding-DNA position 1279, G replaced by T.
Protein change: p.Val427Leu; replaces valine 427 with leucine.
Molecular consequence: missense variant.
Genome position (GRCh38, 1-based): chr2:199,328,805, C>A on the plus strand (G>T on the coding strand, the complement: SATB2 is on the minus strand). VCF-style: chr2-199328805-C-A. GRCh37 (hg19) VCF-style: chr2-200193528-C-A.
Other names: c.1279G>T, p.Val427Leu (NM_001172517.1, NM_015265.4); short protein forms V427L.
Identifiers: ClinVar variation 1494833 (VCV001494833.6), dbSNP rs1306994967, ClinGen allele CA350386362.
Genomic context (GRCh38, chr2:199,328,805, plus strand): 5'-TGCTCACATTGGGATTCATGCTCCGCTCCCTCTCATCCTGGTAGATGCGATCTCGCTCCA[C>A]TTCTGGCAGATTGAGGAAATTCTGCATGGCCCTCAGGTTTACTAGAAGAGACTGAGAGGC-3'
Protein context (NP_001165980.1, residues 417-437): AMQNFLNLPE[Val427Leu]ERDRIYQDER